The following is an entry in ClinVar:

ClinVar aggregate classification (germline): Conflicting classifications of pathogenicity. Review status: criteria provided, conflicting classifications (1 of 4 stars). 3 submissions from 3 submitters: Uncertain significance (1); Likely benign (2). Last evaluated 2026-01-28.

Conditions:
PLA2G6-associated neurodegeneration (PLAN). Also called: phospholipase A2-associated neurodegeneration. Identifiers: Orphanet 329303, MedGen CN204472, MONDO:0017998.
Infantile neuroaxonal dystrophy (NBIA2A). Also called: NEURODEGENERATION WITH BRAIN IRON ACCUMULATION 2A; SEITELBERGER DISEASE; Infantile neuroaxonal dystrophy 1. Identifiers: Orphanet 35069, MedGen C0270724, MONDO:0024457, OMIM 256600.

Allele frequency attached by ClinVar (database versions not stated): gnomAD 0.00007; ESP Exome Variant Server 0.00008; gnomAD exomes 0.00010 and 0.00011; TOPMed 0.00010; ExAC 0.00011.
gnomAD v4.1: 168 of 1,613,530 alleles (0.01%); highest among the groups gnomAD compares: Middle Eastern, 0.13%; no homozygotes.

Submissions (3):

Labcorp Genetics (formerly Invitae), Labcorp
Classification: Likely benign for Infantile neuroaxonal dystrophy. Last evaluated: 2026-01-28. Review status: criteria provided, single submitter. Criteria: Invitae Variant Classification Sherloc (09022015). Collection method: clinical testing. Allele origin: germline.

CeGaT Center for Human Genetics Tuebingen
Classification: Likely benign. Last evaluated: 2025-08-01. Review status: criteria provided, single submitter. Criteria: CeGaT Center For Human Genetics Tuebingen Variant Classification Criteria Version 2. Collection method: clinical testing. Allele origin: germline. Affected: yes. Observed: 5 variant alleles.
Comment: PLA2G6: BP4, BP7

Illumina Laboratory Services, Illumina
Classification: Uncertain significance for PLA2G6-associated neurodegeneration. Last evaluated: 2017-04-27. Review status: criteria provided, single submitter. Criteria: ICSL Variant Classification Criteria 13 December 2019. Collection method: clinical testing. Allele origin: germline.

NM_003560.4(PLA2G6):c.1614C>T (p.Arg538=)

Gene: PLA2G6 (phospholipase A2 group VI; minus strand). Cytogenetic location: 22q13.1.
Variant type: single nucleotide variant.
Coding change: c.1614C>T on transcript NM_003560.4 (MANE Select); coding-DNA position 1614, C replaced by T.
Protein change: p.Arg538=; no amino-acid change (arginine 538 retained).
Molecular consequence: synonymous variant.
Genome position (GRCh38, 1-based): chr22:38,120,887, G>A on the plus strand (C>T on the coding strand, the complement: PLA2G6 is on the minus strand). VCF-style: chr22-38120887-G-A. GRCh37 (hg19) VCF-style: chr22-38516894-G-A.
Other names: c.1452C>T, p.Arg484= (NM_001004426.3, NM_001199562.3, NM_001349865.2 and 1 more transcripts); c.1614C>T, p.Arg538= (NM_001349864.2); c.1080C>T, p.Arg360= (NM_001349867.2); c.936C>T, p.Arg312= (NM_001349868.2); c.918C>T, p.Arg306= (NM_001349869.2).
Identifiers: ClinVar variation 899810 (VCV000899810.49), dbSNP rs373930150, ClinGen allele CA10230790.